The following is an entry in ClinVar:

ClinVar aggregate classification (germline): Uncertain significance. Review status: criteria provided, multiple submitters, no conflicts (2 of 4 stars). 2 submissions from 2 submitters: Uncertain significance (2). Last evaluated 2023-05-04.

Conditions:
Chédiak-Higashi syndrome (CHS). Also called: Chediak-Higashi Syndrome. Identifiers: Orphanet 167, MedGen C0007965, MONDO:0008963, OMIM 214500.
Inborn genetic diseases. Identifiers: MedGen C0950123, MeSH D030342.

Allele frequency attached by ClinVar (database versions not stated): TOPMed 0.00004; gnomAD 0.00005.
gnomAD v4.1: 15 of 1,613,854 alleles (0.00093%); highest among the groups gnomAD compares: African/African-American, 0.016%; no homozygotes.

Submissions (2):

Ambry Genetics
Classification: Uncertain significance for Inborn genetic diseases. Last evaluated: 2023-05-04. Review status: criteria provided, single submitter. Criteria: Ambry Variant Classification Scheme 2023. Collection method: clinical testing. Allele origin: germline.

Labcorp Genetics (formerly Invitae), Labcorp
Classification: Uncertain significance for Chédiak-Higashi syndrome. Last evaluated: 2022-10-17. Review status: criteria provided, single submitter. Criteria: Invitae Variant Classification Sherloc (09022015). Collection method: clinical testing. Allele origin: germline.
Comment: This sequence change replaces glycine, which is neutral and non-polar, with aspartic acid, which is acidic and polar, at codon 928 of the LYST protein (p.Gly928Asp). This variant is present in population databases (rs774002145, gnomAD 0.01%). This variant has not been reported in the literature in individuals affected with LYST-related conditions. ClinVar contains an entry for this variant (Variation ID: 1385727). Advanced modeling of protein sequence and biophysical properties (such as structural, functional, and spatial information, amino acid conservation, physicochemical variation, residue mobility, and thermodynamic stability) performed at Invitae indicates that this missense variant is not expected to disrupt LYST protein function. In summary, the available evidence is currently insufficient to determine the role of this variant in disease. Therefore, it has been classified as a Variant of Uncertain Significance.

NM_000081.4(LYST):c.2783G>A (p.Gly928Asp)

Gene: LYST (lysosomal trafficking regulator; minus strand). Cytogenetic location: 1q42.3.
Variant type: single nucleotide variant.
Coding change: c.2783G>A on transcript NM_000081.4 (MANE Select); coding-DNA position 2783, G replaced by A.
Protein change: p.Gly928Asp; replaces glycine 928 with aspartic acid.
Molecular consequence: missense variant.
Genome position (GRCh38, 1-based): chr1:235,806,353, C>T on the plus strand (G>A on the coding strand, the complement: LYST is on the minus strand). VCF-style: chr1-235806353-C-T. GRCh37 (hg19) VCF-style: chr1-235969653-C-T.
Other names: c.2783G>A (NM_000081.2); c.2783G>A, p.Gly928Asp (NM_001301365.1); short protein forms G928D.
Identifiers: ClinVar variation 1385727 (VCV001385727.4), dbSNP rs774002145, ClinGen allele CA1467212.